The following is an entry in ClinVar:

NM_000342.3(SLC4A1):c.-62G>A

Gene: SLC4A1 (solute carrier family 4 member 1 (Diego blood group); minus strand). Cytogenetic location: 17q21.31.
Variant type: single nucleotide variant.
Coding change: c.-62G>A on transcript NM_000342.3; 62 bases upstream of the start codon, G replaced by A.
Molecular consequence: 5 prime UTR variant (on NM_000342.4).
Genome position (GRCh38, 1-based): chr17:44,262,928, C>T on the plus strand (G>A on the coding strand, the complement: SLC4A1 is on the minus strand). VCF-style: chr17-44262928-C-T. GRCh37 (hg19) VCF-style: chr17-42340296-C-T.
Other names: 89G-A; c.-62G>A (NM_000342.4).
Identifiers: ClinVar variation 17754 (VCV000017754.14), dbSNP rs387906565, ClinGen allele CA127373.

ClinVar aggregate classification (germline): Uncertain significance. Review status: criteria provided, multiple submitters, no conflicts (2 of 4 stars). 8 submissions from 6 submitters: Uncertain significance (7). 1 of the submissions does not count toward it. Last evaluated 2025-01-27.

Conditions:
BLOOD GROUP, WALDNER (WD). Also called: WALDNER BLOOD GROUP ANTIGEN. Identifiers: MedGen C1862191, OMIM 112010.
BLOOD GROUP--FROESE (FR). Also called: FROESE BLOOD GROUP ANTIGEN. Identifiers: MedGen C1832168, OMIM 601551.
BLOOD GROUP--WRIGHT ANTIGEN (WR). Identifiers: MedGen C1862190, OMIM 112050.
BLOOD GROUP--DIEGO SYSTEM (DI). Identifiers: MedGen C1292286, OMIM 110500.
BLOOD GROUP--SWANN SYSTEM (SW). Also called: SWANN BLOOD GROUP. Identifiers: MedGen C1832169, OMIM 601550.
Cryohydrocytosis. Also called: STOMATOCYTOSIS, COLD-SENSITIVE; Hereditary cryohydrocytosis with normal stomatin; CRYOHYDROCYTOSIS DUE TO BAND 3 HEMEL; CRYOHYDROCYTOSIS DUE TO BAND 3 HURSTPIERPOINT; CRYOHYDROCYTOSIS DUE TO BAND 3 BLACKBURN. Identifiers: Orphanet 398088, MedGen C1861453, MONDO:0008494, OMIM 185020.
Autosomal dominant distal renal tubular acidosis (DRTA1). Also called: RTA, CLASSIC TYPE; RTA, DISTAL TYPE, AUTOSOMAL DOMINANT; RTA, GRADIENT TYPE; Renal Tubular Acidosis, Type I; RENAL TUBULAR ACIDOSIS, DISTAL, 1. Identifiers: Orphanet 93608, MedGen CN280572, MONDO:0008368, OMIM 179800.
Renal tubular acidosis, distal, 4, with hemolytic anemia. Also called: Renal Tubular Acidosis, Distal, with Hemolytic Anemia. Identifiers: Orphanet 93610, MedGen C5436235, MONDO:0012700, OMIM 611590.
Southeast Asian ovalocytosis. Also called: Stomatocytic elliptocytosis, hereditary; Ovalocytosis, Malaysian-Melanesian-Filipino type; Elliptocytosis 4; HE, STOMATOCYTIC. Identifiers: Orphanet 98868, MedGen C1862322, MONDO:0008165, OMIM 166900.
Malaria, susceptibility to. Identifiers: Orphanet 673, MedGen C1970028, MONDO:0021024, OMIM 611162.
Hereditary spherocytosis type 4. Also called: SLC4A1-Related Spherocytosis. Identifiers: Orphanet 822, MedGen C2675212, MONDO:0012981, OMIM 612653.
Hemolytic anemia. Identifiers: MedGen C0002878, MONDO:0003664, HP:0001878.

Allele frequency attached by ClinVar (database versions not stated): gnomAD 0.00002; TOPMed 0.00005; gnomAD exomes 0.00009.

Submissions (8):

Labcorp Genetics (formerly Invitae), Labcorp
Classification: Uncertain significance. Last evaluated: 2025-01-27. Review status: criteria provided, single submitter. Criteria: Invitae Variant Classification Sherloc (09022015). Collection method: clinical testing. Allele origin: germline.
Comment: This variant occurs in a non-coding region of the SLC4A1 gene. It does not change the encoded amino acid sequence of the SLC4A1 protein. This variant is not present in population databases (gnomAD no frequency). This variant has been observed in individual(s) with spherocytosis (PMID: 8704215). This variant is also known as a G -> A substitution at position 89 from the cap site in the 5'-untranslated region or allele Genas. ClinVar contains an entry for this variant (Variation ID: 17754). Studies have shown that this variant alters SLC4A1 gene expression (PMID: 8704215). In summary, the available evidence is currently insufficient to determine the role of this variant in disease. Therefore, it has been classified as a Variant of Uncertain Significance.

Blueprint Genetics
Classification: Uncertain significance. Last evaluated: 2024-08-05. Review status: criteria provided, single submitter. Criteria: ACMG Guidelines, 2015. Collection method: clinical testing. Allele origin: germline.

Revvity Omics, Revvity
Classification: Uncertain significance. Last evaluated: 2022-09-08. Review status: criteria provided, single submitter. Criteria: ACMG Guidelines, 2015. Collection method: clinical testing. Allele origin: germline.

Fulgent Genetics
Classification: Uncertain significance for BLOOD GROUP--DIEGO SYSTEM; BLOOD GROUP, WALDNER; BLOOD GROUP--WRIGHT ANTIGEN; Southeast Asian ovalocytosis; Autosomal dominant distal renal tubular acidosis; Cryohydrocytosis; BLOOD GROUP--SWANN SYSTEM; BLOOD GROUP--FROESE; Malaria, susceptibility to; Renal tubular acidosis, distal, 4, with hemolytic anemia; Hereditary spherocytosis type 4. Last evaluated: 2022-03-02. Review status: criteria provided, single submitter. Criteria: ACMG Guidelines, 2015. Collection method: clinical testing. Allele origin: unknown.

Illumina Laboratory Services, Illumina
Classification: Uncertain significance for Hemolytic anemia. Last evaluated: 2017-04-27. Review status: criteria provided, single submitter. Criteria: ICSL Variant Classification Criteria 13 December 2019. Collection method: clinical testing. Allele origin: germline.

Illumina Laboratory Services, Illumina
Classification: Uncertain significance for Hereditary spherocytosis type 4. Last evaluated: 2017-04-27. Review status: criteria provided, single submitter. Criteria: ICSL Variant Classification Criteria 13 December 2019. Collection method: clinical testing. Allele origin: germline.
Comment: This variant was observed as part of a predisposition screen in an ostensibly healthy population. A literature search was performed for the gene, cDNA change, and amino acid change (where applicable). Publications were found based on this search. However, the evidence from the literature, in combination with allele frequency data from public databases where available, was not sufficient to rule this variant in or out of causing disease. Therefore, this variant is classified as a variant of unknown significance.

Illumina Laboratory Services, Illumina
Classification: Uncertain significance for Autosomal dominant distal renal tubular acidosis. Last evaluated: 2017-04-27. Review status: criteria provided, single submitter. Criteria: ICSL Variant Classification Criteria 13 December 2019. Collection method: clinical testing. Allele origin: germline.

OMIM
Classification: Pathogenic for SPHEROCYTOSIS, TYPE 4, DUE TO BAND 3 GENAS. Last evaluated: 1996-08-01. Review status: no assertion criteria provided. Collection method: literature only. Allele origin: germline. Not counted in ClinVar's aggregate classification.

Literature cited by the submitters: PubMed 8704215 (cited by 3 submitters).